The following is an entry in ClinVar:

ClinVar aggregate classification (germline): Likely pathogenic (1 of 4 stars; one submission).

Conditions:
Deficiency of steroid 17-alpha-monooxygenase. Also called: ADRENAL HYPERPLASIA V; 17-ALPHA-HYDROXYLASE DEFICIENCY; Congenital adrenal hyperplasia due to 17-alpha-hydroxylase deficiency; Congenital adrenal hyperplasia type 5; 17-alpha-hydroxylase/17,20-lyase deficiency. Identifiers: Orphanet 90793, MedGen C0268285, MONDO:0008730, OMIM 202110.

Submission:

Natera, Inc.
Classification: Likely pathogenic for Deficiency of steroid 17-alpha-monooxygenase. Last evaluated: 2025-05-16. Review status: criteria provided, single submitter. Criteria: Natera Variant Classification Schema (03/2026). Collection method: clinical testing. Allele origin: germline.
Comment: The c.774delT variant in CYP17A1 is a frameshift variant predicted to shift the reading frame beginning at codon 259 and leads to a stop codon 8 codons downstream. This variant is expected to result in nonsense mediated decay, truncation, or a dysfunctional protein product. This variant is rare in the general population with a frequency below the threshold expected for the associated phenotype(s). Given the available evidence, this variant is classified as Likely Pathogenic.

NM_000102.4(CYP17A1):c.774del (p.Ile259fs)

Genes: CYP17A1-AS1 (CYP17A1 antisense RNA 1; plus strand), CYP17A1 (cytochrome P450 family 17 subfamily A member 1; minus strand). Cytogenetic location: 10q24.32.
Variant type: Deletion.
Coding change: c.774del on transcript NM_000102.4 (MANE Select); coding-DNA position 774, one base deleted (T; older notation c.774delT).
Protein change: p.Ile259fs; shifts the reading frame from isoleucine 259.
Molecular consequence: frameshift variant.
Genome position (GRCh38, 1-based): chr10:102,833,188, A deleted on the plus strand (T on the coding strand, the reverse complement: CYP17A1 is on the minus strand). VCF-style (leftmost placement, unchanged base first): chr10-102833187-TA-T. GRCh37 (hg19) VCF-style: chr10-104592944-TA-T.
Other names: c.774delT (NM_000102.3); short protein forms I259fs.
Identifiers: ClinVar variation 4817443 (VCV004817443.1).
Genomic context (GRCh38, chr10:102,833,187, plus strand): 5'-CAGCATTGCCATTATCTGAGTTCATCTTGGCTTGCATCAGTGTGTCCAGCATGTTGGTGA[TA>T]GAGTCACTCCGGAATTTCTCCTGGGTTGGGTGAGGTTGGGAGACATTAATAAGGAAGGAG-3'